The following is an entry in ClinVar:

NM_001039591.3(USP9X):c.7645C>T (p.Pro2549Ser)

Gene: USP9X (ubiquitin specific peptidase 9 X-linked; plus strand). Cytogenetic location: Xp11.4.
Variant type: single nucleotide variant.
Coding change: c.7645C>T on transcript NM_001039591.3 (MANE Select); coding-DNA position 7645, C replaced by T.
Protein change: p.Pro2549Ser; replaces proline 2549 with serine.
Molecular consequence: missense variant.
Genome position (GRCh38, 1-based): chrX:41,232,504, C>T. VCF-style: chrX-41232504-C-T. GRCh37 (hg19) VCF-style: chrX-41091757-C-T.
Other names: c.7693C>T, p.Pro2565Ser (NM_001039590.3); short protein forms P2549S, P2565S.
Identifiers: ClinVar variation 1327267 (VCV001327267.3), dbSNP rs2147284300, ClinGen allele CA412755029.

ClinVar aggregate classification (germline): Uncertain significance. Review status: criteria provided, multiple submitters, no conflicts (2 of 4 stars). 2 submissions from 2 submitters: Uncertain significance (2). Last evaluated 2025-12-04.

Submissions (2):

Labcorp Genetics (formerly Invitae), Labcorp
Classification: Uncertain significance. Last evaluated: 2025-12-04. Review status: criteria provided, single submitter. Criteria: Invitae Variant Classification Sherloc (09022015). Collection method: clinical testing. Allele origin: germline.
Comment: This sequence change replaces proline, which is neutral and non-polar, with serine, which is neutral and polar, at codon 2565 of the USP9X protein (p.Pro2565Ser). This variant is not present in population databases (gnomAD no frequency). This variant has not been reported in the literature in individuals affected with USP9X-related conditions. ClinVar contains an entry for this variant (Variation ID: 1327267). An algorithm developed to predict the effect of missense changes on protein structure and function (PolyPhen-2) suggests that this variant is likely to be tolerated. In summary, the available evidence is currently insufficient to determine the role of this variant in disease. Therefore, it has been classified as a Variant of Uncertain Significance.

GeneDx
Classification: Uncertain significance. Last evaluated: 2021-06-03. Review status: criteria provided, single submitter. Criteria: GeneDx Variant Classification Process June 2021. Collection method: clinical testing. Allele origin: germline. Affected: yes.
Comment: Has not been previously published as pathogenic or benign to our knowledge; Not observed at significant frequency in large population cohorts (Lek et al., 2016); In silico analysis supports that this missense variant does not alter protein structure/function; This variant is associated with the following publications: (PMID: 27535533)